The following is an entry in ClinVar:

ClinVar aggregate classification (germline): Uncertain significance. Review status: criteria provided, multiple submitters, no conflicts (2 of 4 stars). 2 submissions from 2 submitters: Uncertain significance (2). Last evaluated 2025-05-19.

Conditions:
Inborn genetic diseases. Identifiers: MedGen C0950123, MeSH D030342.
Congenital myasthenic syndrome 2A. Also called: Myasthenic syndrome, congenital, 2a, slow-channel. Identifiers: Orphanet 590, MedGen C4225374, MONDO:0014581, OMIM 616313.

Allele frequency attached by ClinVar (database versions not stated): gnomAD exomes 0.00001; gnomAD 0.00001; TOPMed 0.00002; ExAC 0.00003.
gnomAD v4.1: 22 of 1,614,076 alleles (0.0014%); highest among the groups gnomAD compares: Admixed American, 0.037%; no homozygotes.

Submissions (2):

Ambry Genetics
Classification: Uncertain significance for Inborn genetic diseases. Last evaluated: 2025-05-19. Review status: criteria provided, single submitter. Criteria: Ambry Variant Classification Scheme 2023. Collection method: clinical testing. Allele origin: germline.

Labcorp Genetics (formerly Invitae), Labcorp
Classification: Uncertain significance for Congenital myasthenic syndrome 2A. Last evaluated: 2023-03-20. Review status: criteria provided, single submitter. Criteria: Invitae Variant Classification Sherloc (09022015). Collection method: clinical testing. Allele origin: germline.
Comment: In summary, the available evidence is currently insufficient to determine the role of this variant in disease. Therefore, it has been classified as a Variant of Uncertain Significance. Advanced modeling of protein sequence and biophysical properties (such as structural, functional, and spatial information, amino acid conservation, physicochemical variation, residue mobility, and thermodynamic stability) performed at Invitae indicates that this missense variant is not expected to disrupt CHRNB1 protein function. This sequence change replaces leucine, which is neutral and non-polar, with phenylalanine, which is neutral and non-polar, at codon 239 of the CHRNB1 protein (p.Leu239Phe). This variant is present in population databases (rs772315322, gnomAD 0.05%). This variant has not been reported in the literature in individuals affected with CHRNB1-related conditions. ClinVar contains an entry for this variant (Variation ID: 2061572).

NM_000747.3(CHRNB1):c.715C>T (p.Leu239Phe)

Gene: CHRNB1 (cholinergic receptor nicotinic beta 1 subunit; plus strand). Cytogenetic location: 17p13.1.
Variant type: single nucleotide variant.
Coding change: c.715C>T on transcript NM_000747.3 (MANE Select); coding-DNA position 715, C replaced by T.
Protein change: p.Leu239Phe; replaces leucine 239 with phenylalanine.
Molecular consequence: missense variant.
Genome position (GRCh38, 1-based): chr17:7,448,683, C>T. VCF-style: chr17-7448683-C-T. GRCh37 (hg19) VCF-style: chr17-7352002-C-T.
Other names: short protein forms L239F.
Identifiers: ClinVar variation 2061572 (VCV002061572.6), dbSNP rs772315322, ClinGen allele CA8347867.